The following is an entry in ClinVar:

NM_020989.4(CRYGC):c.10-1G>A

Genes: CRYGC (crystallin gamma C; minus strand), LOC100507443 (uncharacterized LOC100507443; plus strand). Cytogenetic location: 2q33.3.
Variant type: single nucleotide variant.
Coding change: c.10-1G>A on transcript NM_020989.4 (MANE Select); the canonical splice acceptor site of the intron before coding-DNA position 10, G replaced by A.
Molecular consequence: splice acceptor variant.
Genome position (GRCh38, 1-based): chr2:208,129,684, C>T on the plus strand (G>A on the coding strand, the complement: CRYGC is on the minus strand). VCF-style: chr2-208129684-C-T. GRCh37 (hg19) VCF-style: chr2-208994408-C-T.
Identifiers: ClinVar variation 2578291 (VCV002578291.1), dbSNP rs1299475960, ClinGen allele CA350097689.

ClinVar aggregate classification (germline): Uncertain significance (1 of 4 stars; one submission).

Allele frequency attached by ClinVar (database versions not stated): gnomAD exomes below 0.00001.
gnomAD v4.1: 5 of 1,614,220 alleles (0.00031%); highest among the groups gnomAD compares: Non-Finnish European, 0.00034%; no homozygotes.

Submission:

GeneDx
Classification: Uncertain significance. Last evaluated: 2023-02-28. Review status: criteria provided, single submitter. Criteria: GeneDx Variant Classification Process June 2021. Collection method: clinical testing. Allele origin: germline. Affected: yes.
Comment: Canonical splice site variant in a gene or region of a gene for which loss of function is not a well-established mechanism of disease; This variant is associated with the following publications: (PMID: 31523120, 36246175)